The following is an entry in ClinVar:

ClinVar aggregate classification (germline): Uncertain significance (1 of 4 stars; one submission).

Allele frequency attached by ClinVar (database versions not stated): ExAC 0.00001; gnomAD exomes 0.00001.
gnomAD v4.1: 3 of 1,613,932 alleles (0.00019%); highest among the groups gnomAD compares: South Asian, 0.0011%; no homozygotes.

Submission:

Labcorp Genetics (formerly Invitae), Labcorp
Classification: Uncertain significance. Last evaluated: 2023-10-03. Review status: criteria provided, single submitter. Criteria: Invitae Variant Classification Sherloc (09022015). Collection method: clinical testing. Allele origin: germline.
Comment: This sequence change replaces cysteine, which is neutral and slightly polar, with arginine, which is basic and polar, at codon 1628 of the LAMA3 protein (p.Cys1628Arg). This variant is present in population databases (rs760017372, gnomAD 0.0009%). This variant has not been reported in the literature in individuals affected with LAMA3-related conditions. ClinVar contains an entry for this variant (Variation ID: 2058660). An algorithm developed to predict the effect of missense changes on protein structure and function (PolyPhen-2) suggests that this variant is likely to be disruptive. In summary, the available evidence is currently insufficient to determine the role of this variant in disease. Therefore, it has been classified as a Variant of Uncertain Significance.

NM_198129.4(LAMA3):c.9709T>C (p.Cys3237Arg)

Gene: LAMA3 (laminin subunit alpha 3; plus strand). Cytogenetic location: 18q11.2.
Variant type: single nucleotide variant.
Coding change: c.9709T>C on transcript NM_198129.4 (MANE Select); coding-DNA position 9709, T replaced by C.
Protein change: p.Cys3237Arg; replaces cysteine 3237 with arginine.
Molecular consequence: missense variant.
Genome position (GRCh38, 1-based): chr18:23,951,750, T>C. VCF-style: chr18-23951750-T-C. GRCh37 (hg19) VCF-style: chr18-21531714-T-C.
Other names: c.4882T>C, p.Cys1628Arg (NM_000227.6); c.9541T>C, p.Cys3181Arg (NM_001127717.4); c.4714T>C, p.Cys1572Arg (NM_001127718.4); short protein forms C3237R, C1628R, C3181R, C1572R.
Identifiers: ClinVar variation 2058660 (VCV002058660.4), dbSNP rs760017372, ClinGen allele CA8917283.